The following is an entry in ClinVar:

ClinVar aggregate classification (germline): Benign/Likely benign. Review status: criteria provided, multiple submitters, no conflicts (2 of 4 stars). 3 submissions from 3 submitters: Benign (1); Likely benign (1). 1 of the submissions does not count toward it. Last evaluated 2019-12-31.

Conditions:
SFXN4-related disorder. Also called: SFXN4-related condition.

Allele frequency attached by ClinVar (database versions not stated): gnomAD 0.00004 and 0.00005; gnomAD exomes 0.00010 and 0.00054; TOPMed 0.00023; ExAC 0.00043.
gnomAD v4.1: 151 of 1,599,876 alleles (0.0094%); highest among the groups gnomAD compares: Admixed American, 0.24%; no homozygotes.

Submissions (3):

Labcorp Genetics (formerly Invitae), Labcorp
Classification: Benign. Last evaluated: 2019-12-31. Review status: criteria provided, single submitter. Criteria: Invitae Variant Classification Sherloc (09022015). Collection method: clinical testing. Allele origin: germline.

GeneDx
Classification: Likely benign. Last evaluated: 2019-11-25. Review status: criteria provided, single submitter. Criteria: GeneDx Variant Classification Process June 2021. Collection method: clinical testing. Allele origin: germline. Affected: yes.

PreventionGenetics, part of Exact Sciences
Classification: Likely benign for SFXN4-related condition. Last evaluated: 2019-11-27. Review status: no assertion criteria provided. Collection method: clinical testing. Allele origin: germline. Not counted in ClinVar's aggregate classification.
Comment: This variant is classified as likely benign based on ACMG/AMP sequence variant interpretation guidelines (Richards et al. 2015 PMID: 25741868, with internal and published modifications).

NM_213649.2(SFXN4):c.617-4A>G

Gene: SFXN4 (sideroflexin 4; minus strand). Cytogenetic location: 10q26.11.
Variant type: single nucleotide variant.
Coding change: c.617-4A>G on transcript NM_213649.2 (MANE Select); 4 bases into the intron before coding-DNA position 617, A replaced by G.
Molecular consequence: intron variant.
Genome position (GRCh38, 1-based): chr10:119,155,181, T>C on the plus strand (A>G on the coding strand, the complement: SFXN4 is on the minus strand). VCF-style: chr10-119155181-T-C. GRCh37 (hg19) VCF-style: chr10-120914693-T-C.
Identifiers: ClinVar variation 739444 (VCV000739444.8), dbSNP rs746816659, ClinGen allele CA5714445.